The following is an entry in ClinVar:

ClinVar aggregate classification (germline): Uncertain significance (1 of 4 stars; one submission).

gnomAD v4.1: 5 of 1,614,048 alleles (0.00031%); highest among the groups gnomAD compares: Admixed American, 0.0083%; no homozygotes.

Submission:

Labcorp Genetics (formerly Invitae), Labcorp
Classification: Uncertain significance. Last evaluated: 2025-12-11. Review status: criteria provided, single submitter. Criteria: Invitae Variant Classification Sherloc (09022015). Collection method: clinical testing. Allele origin: germline.
Comment: This sequence change replaces threonine, which is neutral and polar, with isoleucine, which is neutral and non-polar, at codon 1847 of the VCAN protein (p.Thr1847Ile). This variant is present in population databases (rs201704138, gnomAD 0.009%). This variant has not been reported in the literature in individuals affected with VCAN-related conditions. ClinVar contains an entry for this variant (Variation ID: 1909785). An algorithm developed to predict the effect of missense changes on protein structure and function outputs the following: PolyPhen-2: "Benign". The isoleucine amino acid residue is found in multiple mammalian species, which suggests that this missense change does not adversely affect protein function. In summary, the available evidence is currently insufficient to determine the role of this variant in disease. Therefore, it has been classified as a Variant of Uncertain Significance.

NM_004385.5(VCAN):c.5540C>T (p.Thr1847Ile)

Genes: VCAN (versican; plus strand), VCAN-AS1 (VCAN antisense RNA 1; minus strand). Cytogenetic location: 5q14.3.
Variant type: single nucleotide variant.
Coding change: c.5540C>T on transcript NM_004385.5 (MANE Select); coding-DNA position 5540, C replaced by T.
Protein change: p.Thr1847Ile; replaces threonine 1847 with isoleucine.
Molecular consequence: missense variant. On other transcripts: intron variant (2).
Genome position (GRCh38, 1-based): chr5:83,538,543, C>T. VCF-style: chr5-83538543-C-T. GRCh37 (hg19) VCF-style: chr5-82834362-C-T.
Other names: c.2579C>T, p.Thr860Ile (NM_001164097.2); c.4004-6994C>T (NM_001164098.2); c.1043-6994C>T (NM_001126336.3); short protein forms T860I, T1847I.
Identifiers: ClinVar variation 1909785 (VCV001909785.5), dbSNP rs201704138, ClinGen allele CA3333343.